The following is an entry in ClinVar:

NM_018344.6(SLC29A3):c.344C>G (p.Ser115Cys)

Genes: SLC29A3 (solute carrier family 29 member 3; plus strand), LOC105378353 (uncharacterized LOC105378353; minus strand). Cytogenetic location: 10q22.1.
Variant type: single nucleotide variant.
Coding change: c.344C>G on transcript NM_018344.6 (MANE Select); coding-DNA position 344, C replaced by G.
Protein change: p.Ser115Cys; replaces serine 115 with cysteine.
Molecular consequence: missense variant.
Genome position (GRCh38, 1-based): chr10:71,344,252, C>G. VCF-style: chr10-71344252-C-G. GRCh37 (hg19) VCF-style: chr10-73104009-C-G.
Other names: c.344C>G, p.Ser115Cys (NM_001174098.2); c.110C>G, p.Ser37Cys (NM_001363518.2); short protein forms S37C, S115C.
Identifiers: ClinVar variation 3677764 (VCV003677764.2).
Genomic context (GRCh38, chr10:71,344,252, plus strand): 5'-CACTTGTGTGCTTGCAGAACTACTTTGAGAGCTACCTTGCCGTTGCCTCCACCGTGCCCT[C>G]CATGCTGTGCCTGGTGGCCAACTTCCTGCTTGTCAACAGGTAGGCGACTCTCTTCCCTCT-3'
Protein context (NP_060814.4, residues 105-125): SYLAVASTVP[Ser115Cys]MLCLVANFLL

ClinVar aggregate classification (germline): Uncertain significance (1 of 4 stars; one submission).

Conditions:
H syndrome. Also called: HISTIOCYTOSIS AND LYMPHADENOPATHY WITH OR WITHOUT CUTANEOUS, CARDIAC, AND/OR ENDOCRINE FEATURES, JOINT CONTRACTURES, AND/OR DEAFNESS; HYPERPIGMENTATION, CUTANEOUS, WITH HYPERTRICHOSIS, HEPATOSPLENOMEGALY, HEART ANOMALIES, AND HYPOGONADISM WITH OR WITHOUT HEARING LOSS; PIGMENTED HYPERTRICHOSIS WITH INSULIN-DEPENDENT DIABETES MELLITUS; ROSAI-DORFMAN DISEASE, FAMILIAL; SINUS HISTIOCYTOSIS AND MASSIVE LYMPHADENOPATHY; Hyperpigmentation, Cutaneous, with Hypertrichosis, Hepatosplenomegaly, Heart Anomalies, Hearing Loss, and Hypogonadism. Identifiers: Orphanet 168569, MedGen C1864445, MONDO:0011273, OMIM 602782.

Submission:

Labcorp Genetics (formerly Invitae), Labcorp
Classification: Uncertain significance for H syndrome. Last evaluated: 2025-01-20. Review status: criteria provided, single submitter. Criteria: Invitae Variant Classification Sherloc (09022015). Collection method: clinical testing. Allele origin: germline.
Comment: This sequence change replaces serine, which is neutral and polar, with cysteine, which is neutral and slightly polar, at codon 115 of the SLC29A3 protein (p.Ser115Cys). This variant is not present in population databases (gnomAD no frequency). This variant has not been reported in the literature in individuals affected with SLC29A3-related conditions. Invitae Evidence Modeling of protein sequence and biophysical properties (such as structural, functional, and spatial information, amino acid conservation, physicochemical variation, residue mobility, and thermodynamic stability) indicates that this missense variant is not expected to disrupt SLC29A3 protein function with a negative predictive value of 80%. In summary, the available evidence is currently insufficient to determine the role of this variant in disease. Therefore, it has been classified as a Variant of Uncertain Significance.